The following is an entry in ClinVar:

NC_012920.1(MT-TV):m.1636A>G

Gene: MT-TV (mitochondrially encoded tRNA valine; plus strand).
Variant type: single nucleotide variant.
Genome position: chrM-1636-A-G.
Identifiers: ClinVar variation 689842 (VCV000689842.1), dbSNP rs1603218591, ClinGen allele CA913163336.
Genomic context (GRCh38, chrMT:1,636, plus strand): 5'-GTACTGGAAAGTGCACTTGGACGAACCAGAGTGTAGCTTAACACAAAGCACCCAACTTAC[A>G]CTTAGGAGATTTCAACTTAACTTGACCGCTCTGAGCTAAACCTAGCCCCAAACCCACTCC-3'

ClinVar aggregate classification (germline): Uncertain significance (1 of 4 stars; one submission).

Conditions:
MELAS syndrome (MELAS). Also called: Juvenile myopathy, encephalopathy, lactic acidosis, stroke. Identifiers: Orphanet 550, MedGen C0162671, MONDO:0010789, OMIM 540000.

Submission:

Wong Mito Lab, Molecular and Human Genetics, Baylor College of Medicine
Classification: Uncertain significance for MELAS syndrome. Last evaluated: 2019-07-12. Review status: criteria provided, single submitter. Criteria: Modified ACMG Guidelines (Unpublished). Collection method: clinical testing. Allele origin: germline.
Comment: The NC_012920.1:m.1636A>G variant in MT-TV gene is interpreted to be a Unknown Significance variant based on the modified ACMG guidelines (unpublished). This variant meets the following evidence codes reported in the guidelines: BP4, PP6

Literature cited by the submitters: PubMed 31965079.